The following is an entry in ClinVar:

NM_020831.6(MRTFA):c.363+5G>C

Gene: MRTFA (myocardin related transcription factor A; minus strand). Cytogenetic location: 22q13.1.
Variant type: single nucleotide variant.
Coding change: c.363+5G>C on transcript NM_020831.6 (MANE Select); 5 bases into the intron after coding-DNA position 363, G replaced by C.
Molecular consequence: intron variant.
Genome position (GRCh38, 1-based): chr22:40,435,494, C>G on the plus strand (G>C on the coding strand, the complement: MRTFA is on the minus strand). VCF-style: chr22-40435494-C-G. GRCh37 (hg19) VCF-style: chr22-40831498-C-G.
Other names: c.363+5G>C (NM_001282661.3, NM_001282662.3); c.168+5G>C (NM_001318139.2); c.63+5G>C (NM_001282660.2).
Identifiers: ClinVar variation 2079056 (VCV002079056.4), dbSNP rs2517859433, ClinGen allele CA2580099793.
Genomic context (GRCh38, chr22:40,435,494, plus strand): 5'-CCAGCAATGCAATGAGCTCTGAAAATGCTCTTTGGGAGTTCTGAGGGGGAAAAAAGGTAC[C>G]TTACCCTGGCCCGCTCCAAGCTCCTTCTCTGCTCATGAAATGCGGCTGGACTTTTCAAAG-3'

ClinVar aggregate classification (germline): Uncertain significance (1 of 4 stars; one submission).

Submission:

Labcorp Genetics (formerly Invitae), Labcorp
Classification: Uncertain significance. Last evaluated: 2022-08-16. Review status: criteria provided, single submitter. Criteria: Invitae Variant Classification Sherloc (09022015). Collection method: clinical testing. Allele origin: germline.
Comment: This sequence change falls in intron 5 of the MKL1 gene. It does not directly change the encoded amino acid sequence of the MKL1 protein. It affects a nucleotide within the consensus splice site. This variant has not been reported in the literature in individuals affected with MKL1-related conditions. In summary, the available evidence is currently insufficient to determine the role of this variant in disease. Therefore, it has been classified as a Variant of Uncertain Significance. Variants that disrupt the consensus splice site are a relatively common cause of aberrant splicing (PMID: 17576681, 9536098). Algorithms developed to predict the effect of sequence changes on RNA splicing suggest that this variant may disrupt the consensus splice site. This variant is not present in population databases (gnomAD no frequency).

Literature cited by the submitters: PubMed 17576681; PubMed 9536098.